The following is an entry in ClinVar:

NM_004274.5(AKAP6):c.6077del (p.Gly2026fs)

Gene: AKAP6 (A-kinase anchoring protein 6; plus strand). Cytogenetic location: 14q12.
Variant type: Deletion.
Coding change: c.6077del on transcript NM_004274.5 (MANE Select); coding-DNA position 6077, one base deleted (G; older notation c.6077delG).
Protein change: p.Gly2026fs; shifts the reading frame from glycine 2026.
Molecular consequence: frameshift variant.
Genome position (GRCh38, 1-based): chr14:32,823,890, G deleted; the last of 2 consecutive G bases (chr14:32,823,889-32,823,890); deleting either gives the same sequence. VCF-style (leftmost placement, unchanged base first): chr14-32823888-CG-C. GRCh37 (hg19) VCF-style: chr14-33293094-CG-C.
Other names: short protein forms G2026fs.
Identifiers: ClinVar variation 4292298 (VCV004292298.2).

ClinVar aggregate classification (germline): Uncertain significance. Review status: criteria provided, multiple submitters, no conflicts (2 of 4 stars). 2 submissions from 2 submitters: Uncertain significance (2). Last evaluated 2025-02-27.

Conditions:
AKAP6-related disorder.

Submissions (2):

3billion
Classification: Uncertain significance for AKAP6-related disorder. Last evaluated: 2025-02-27. Review status: criteria provided, single submitter. Criteria: ACMG Guidelines, 2015. Collection method: clinical testing. Allele origin: germline. Affected: yes.
Comment: The variant is not observed in the gnomAD v4.1.0 dataset. Predicted Consequence/Location: Frameshift: predicted to result in a loss or disruption of normal protein function through nonsense-mediated decay (NMD) or protein truncation. Multiple pathogenic variants are reported downstream of the variant. Therefore, this variant is classified as VUS according to the recommendation of ACMG/AMP guideline.

Blueprint Genetics
Classification: Uncertain significance. Last evaluated: 2024-04-24. Review status: criteria provided, single submitter. Criteria: ACMG Guidelines, 2015. Collection method: clinical testing. Allele origin: germline.